The following is an entry in ClinVar:

ClinVar aggregate classification (germline): Likely benign (0 of 4 stars; one submission).

Conditions:
FMN2-related disorder. Also called: FMN2-related condition.

Allele frequency attached by ClinVar (database versions not stated): TOPMed below 0.00001; ExAC 0.00001; gnomAD exomes 0.00001.
gnomAD v4.1: 8 of 1,610,624 alleles (0.0005%); highest among the groups gnomAD compares: Admixed American, 0.0033%; no homozygotes.

Submission:

PreventionGenetics, part of Exact Sciences
Classification: Likely benign for FMN2-related condition. Last evaluated: 2021-03-26. Review status: no assertion criteria provided. Collection method: clinical testing. Allele origin: germline.
Comment: This variant is classified as likely benign based on ACMG/AMP sequence variant interpretation guidelines (Richards et al. 2015 PMID: 25741868, with internal and published modifications).

NM_020066.5(FMN2):c.3702G>A (p.Pro1234=)

Gene: FMN2 (formin 2; plus strand). Cytogenetic location: 1q43.
Variant type: single nucleotide variant.
Coding change: c.3702G>A on transcript NM_020066.5 (MANE Select); coding-DNA position 3702, G replaced by A.
Protein change: p.Pro1234=; no amino-acid change (proline 1234 retained).
Molecular consequence: synonymous variant. On other transcripts: intron variant (1).
Genome position (GRCh38, 1-based): chr1:240,208,514, G>A. VCF-style: chr1-240208514-G-A. GRCh37 (hg19) VCF-style: chr1-240371814-G-A.
Other names: c.3714G>A, p.Pro1238= (NM_001305424.2); c.1986+20252G>A (NM_001348094.2).
Identifiers: ClinVar variation 3031541 (VCV003031541.2), dbSNP rs769484799, ClinGen allele CA1477281.